The following is an entry in ClinVar:

NM_000138.5(FBN1):c.2473C>A (p.Pro825Thr)

Gene: FBN1 (fibrillin 1; minus strand). Cytogenetic location: 15q21.1.
Variant type: single nucleotide variant.
Coding change: c.2473C>A on transcript NM_000138.5 (MANE Select); coding-DNA position 2473, C replaced by A.
Protein change: p.Pro825Thr; replaces proline 825 with threonine.
Molecular consequence: missense variant.
Genome position (GRCh38, 1-based): chr15:48,495,535, G>T on the plus strand (C>A on the coding strand, the complement: FBN1 is on the minus strand). VCF-style: chr15-48495535-G-T. GRCh37 (hg19) VCF-style: chr15-48787732-G-T.
Other names: c.2473C>A, p.Pro825Thr (NM_001406716.1); short protein forms P825T.
Identifiers: ClinVar variation 3754085 (VCV003754085.2).

ClinVar aggregate classification (germline): Uncertain significance (1 of 4 stars; one submission).

Conditions:
Marfan syndrome (MFS). Also called: MARFAN SYNDROME, TYPE I; Marfan syndrome type 1; Marfan's syndrome; Marfan syndrome, classic; FBN1-Related Marfan Syndrome. Identifiers: Orphanet 284963, Orphanet 558, MedGen C0024796, MONDO:0007947, OMIM 154700.
Familial thoracic aortic aneurysm and aortic dissection (TAAD). Also called: Thoracic aortic aneurysms and dissections. Identifiers: Orphanet 91387, MedGen C4707243, MONDO:0019625.

Submission:

Labcorp Genetics (formerly Invitae), Labcorp
Classification: Uncertain significance for Marfan syndrome; Familial thoracic aortic aneurysm and aortic dissection. Last evaluated: 2024-03-03. Review status: criteria provided, single submitter. Criteria: Invitae Variant Classification Sherloc (09022015). Collection method: clinical testing. Allele origin: germline.
Comment: This sequence change replaces proline, which is neutral and non-polar, with threonine, which is neutral and polar, at codon 825 of the FBN1 protein (p.Pro825Thr). This variant is not present in population databases (gnomAD no frequency). This missense change has been observed in individual(s) with Marfan syndrome (Invitae). Advanced modeling of protein sequence and biophysical properties (such as structural, functional, and spatial information, amino acid conservation, physicochemical variation, residue mobility, and thermodynamic stability) performed at Invitae indicates that this missense variant is not expected to disrupt FBN1 protein function with a negative predictive value of 95%. This variant disrupts the p.Pro825 amino acid residue in FBN1. Other variant(s) that disrupt this residue have been observed in individuals with FBN1-related conditions (PMID: 19161152, 22736615; Invitae), which suggests that this may be a clinically significant amino acid residue. In summary, the available evidence is currently insufficient to determine the role of this variant in disease. Therefore, it has been classified as a Variant of Uncertain Significance.

Literature cited by the submitters: PubMed 19161152; PubMed 22736615.